The following is an entry in ClinVar:

NM_201384.3(PLEC):c.1646C>T (p.Pro549Leu)

Gene: PLEC (plectin; minus strand). Cytogenetic location: 8q24.3.
Variant type: single nucleotide variant.
Coding change: c.1646C>T on transcript NM_201384.3 (MANE Select); coding-DNA position 1646, C replaced by T.
Protein change: p.Pro549Leu; replaces proline 549 with leucine.
Molecular consequence: missense variant.
Genome position (GRCh38, 1-based): chr8:143,932,884, G>A on the plus strand (C>T on the coding strand, the complement: PLEC is on the minus strand). VCF-style: chr8-143932884-G-A. GRCh37 (hg19) VCF-style: chr8-145007052-G-A.
Other names: c.1727C>T, p.Pro576Leu (NM_000445.5); c.1604C>T, p.Pro535Leu (NM_201378.4); c.1580C>T, p.Pro527Leu (NM_201379.3); c.2057C>T, p.Pro686Leu (NM_201380.4); c.1550C>T, p.Pro517Leu (NM_201381.3); c.1646C>T, p.Pro549Leu (NM_201382.4); c.1658C>T, p.Pro553Leu (NM_201383.3); short protein forms P517L, P549L, P553L, P576L, P527L, P535L, P686L.
Identifiers: ClinVar variation 283269 (VCV000283269.12), dbSNP rs886044808, ClinGen allele CA10604445.
Genomic context (GRCh38, chr8:143,932,884, plus strand): 5'-CGGAATTCTTCGATGGACTGGTGCAGGCCTCGGTGGCTGCCCAGCTGCGCCTCCACGCTG[G>A]GCAGGTCCACACCCCACTCAGCGCCATCCACACGGTGCTGGTTCTCCTCCACCCAGGCCA-3'
Protein context (NP_958786.1, residues 539-559): VDGAEWGVDL[Pro549Leu]SVEAQLGSHR

ClinVar aggregate classification (germline): Uncertain significance. Review status: criteria provided, multiple submitters, no conflicts (2 of 4 stars). 2 submissions from 2 submitters: Uncertain significance (2). Last evaluated 2025-05-18.

Conditions:
Epidermolysis bullosa simplex with nail dystrophy (EBS5D). Identifiers: MedGen C4225309, MONDO:0014661, OMIM 616487.
Epidermolysis bullosa simplex 5C, with pyloric atresia (EBS5C). Also called: PLEC-Related Epidermolysis Bullosa with Pyloric Atresia; Epidermolysis bullosa simplex with pyloric atresia; PLEC1-Related Epidermolysis Bullosa with Pyloric Atresia. Identifiers: Orphanet 158684, MedGen C2677349, MONDO:0012807, OMIM 612138.
Autosomal recessive limb-girdle muscular dystrophy type 2Q (LGMDR17). Also called: MUSCULAR DYSTROPHY, LIMB-GIRDLE, AUTOSOMAL RECESSIVE 17. Identifiers: Orphanet 254361, MedGen C3150989, MONDO:0013390, OMIM 613723.
Epidermolysis bullosa simplex 5B, with muscular dystrophy (EBS5B). Also called: EPIDERMOLYSIS BULLOSA SIMPLEX AND LIMB-GIRDLE MUSCULAR DYSTROPHY; Epidermolysis bullosa simplex with muscular dystrophy. Identifiers: Orphanet 257, MedGen C2931072, MONDO:0009181, OMIM 226670.
Epidermolysis bullosa simplex, Ogna type (EBS5A). Also called: Pidermolysis bullosa simplex 5A, Ogna type; EPIDERMOLYSIS BULLOSA SIMPLEX 5A, OGNA TYPE. Identifiers: Orphanet 79401, MedGen C0432317, MONDO:0007555, OMIM 131950.

Allele frequency attached by ClinVar (database versions not stated): gnomAD exomes 0.00001.
gnomAD v4.1: 13 of 1,612,454 alleles (0.00081%); highest among the groups gnomAD compares: East Asian, 0.0022%; no homozygotes.

Submissions (2):

Labcorp Genetics (formerly Invitae), Labcorp
Classification: Uncertain significance for Autosomal recessive limb-girdle muscular dystrophy type 2Q; Epidermolysis bullosa simplex, Ogna type; Epidermolysis bullosa simplex with nail dystrophy; Epidermolysis bullosa simplex 5C, with pyloric atresia; Epidermolysis bullosa simplex 5B, with muscular dystrophy. Last evaluated: 2025-05-18. Review status: criteria provided, single submitter. Criteria: Invitae Variant Classification Sherloc (09022015). Collection method: clinical testing. Allele origin: germline.
Comment: This sequence change replaces proline, which is neutral and non-polar, with leucine, which is neutral and non-polar, at codon 576 of the PLEC protein (p.Pro576Leu). This variant is not present in population databases (gnomAD no frequency). This variant has not been reported in the literature in individuals affected with PLEC-related conditions. ClinVar contains an entry for this variant (Variation ID: 283269). Invitae Evidence Modeling of protein sequence and biophysical properties (such as structural, functional, and spatial information, amino acid conservation, physicochemical variation, residue mobility, and thermodynamic stability) indicates that this missense variant is not expected to disrupt PLEC protein function with a negative predictive value of 80%. In summary, the available evidence is currently insufficient to determine the role of this variant in disease. Therefore, it has been classified as a Variant of Uncertain Significance.

Eurofins Ntd Llc (ga)
Classification: Uncertain significance. Last evaluated: 2015-09-11. Review status: criteria provided, single submitter. Criteria: EGL Classification Definitions 2015. Collection method: clinical testing. Allele origin: germline. Observed: 1 variant allele, 1 heterozygote.